The following is an entry in ClinVar:

NM_001379500.1(COL18A1):c.1720G>A (p.Gly574Ser)

Gene: COL18A1 (collagen type XVIII alpha 1 chain; plus strand). Cytogenetic location: 21q22.3.
Variant type: single nucleotide variant.
Coding change: c.1720G>A on transcript NM_001379500.1 (MANE Select); coding-DNA position 1720, G replaced by A.
Protein change: p.Gly574Ser; replaces glycine 574 with serine.
Molecular consequence: missense variant.
Genome position (GRCh38, 1-based): chr21:45,486,879, G>A. VCF-style: chr21-45486879-G-A. GRCh37 (hg19) VCF-style: chr21-46906793-G-A.
Other names: c.2260G>A, p.Gly754Ser (NM_030582.4); c.2965G>A, p.Gly989Ser (NM_130444.3); short protein forms G754S, G989S, G574S.
Identifiers: ClinVar variation 1446491 (VCV001446491.4), dbSNP rs1357428784, ClinGen allele CA410496185.

ClinVar aggregate classification (germline): Uncertain significance. Review status: criteria provided, multiple submitters, no conflicts (2 of 4 stars). 2 submissions from 2 submitters: Uncertain significance (2). Last evaluated 2022-02-04.

Conditions:
Hereditary glaucoma, primary closed-angle. Also called: Glaucoma, primary closed-angle. Identifiers: MedGen C5394374, MONDO:0030038, OMIM 618880.
Knobloch syndrome 1 (KNO1). Identifiers: MedGen C4551775, MONDO:0800167, OMIM 267750.

Allele frequency attached by ClinVar (database versions not stated): gnomAD exomes 0.00001 and 0.00002; gnomAD 0.00002; TOPMed 0.00002.

Submissions (2):

Labcorp Genetics (formerly Invitae), Labcorp
Classification: Uncertain significance. Last evaluated: 2022-02-04. Review status: criteria provided, single submitter. Criteria: Invitae Variant Classification Sherloc (09022015). Collection method: clinical testing. Allele origin: germline.
Comment: This sequence change replaces glycine, which is neutral and non-polar, with serine, which is neutral and polar, at codon 574 of the COL18A1 protein (p.Gly574Ser). The frequency data for this variant in the population databases is considered unreliable, as metrics indicate poor data quality at this position in the gnomAD database. This variant has not been reported in the literature in individuals affected with COL18A1-related conditions. Experimental studies and prediction algorithms are not available or were not evaluated, and the functional significance of this variant is currently unknown. In summary, the available evidence is currently insufficient to determine the role of this variant in disease. Therefore, it has been classified as a Variant of Uncertain Significance.

Fulgent Genetics
Classification: Uncertain significance for Knobloch syndrome 1; Hereditary glaucoma, primary closed-angle. Last evaluated: 2021-11-02. Review status: criteria provided, single submitter. Criteria: ACMG Guidelines, 2015. Collection method: clinical testing. Allele origin: unknown.